The following is an entry in ClinVar:

ClinVar aggregate classification (germline): Likely benign. Review status: criteria provided, multiple submitters, no conflicts (2 of 4 stars). 2 submissions from 2 submitters: Likely benign (2). Last evaluated 2026-03-31.

Conditions:
SLC22A4-related disorder. Also called: SLC22A4-related condition.

Allele frequency attached by ClinVar (database versions not stated): ExAC 0.00004; TOPMed 0.00006; gnomAD 0.00007; ESP Exome Variant Server 0.00015; gnomAD exomes 0.00017.
gnomAD v4.1: 249 of 1,611,440 alleles (0.015%); highest among the groups gnomAD compares: Non-Finnish European, 0.021%; no homozygotes.

Submissions (2):

PreventionGenetics, part of Exact Sciences
Classification: Likely benign for SLC22A4-related condition. Last evaluated: 2026-03-31. Review status: criteria provided, single submitter. Criteria: ACMG Guidelines, 2015. Collection method: clinical testing. Allele origin: germline.
Comment: This variant is classified as likely benign based on ACMG/AMP sequence variant interpretation guidelines (Richards et al. 2015 PMID: 25741868, with internal and published modifications).

Labcorp Genetics (formerly Invitae), Labcorp
Classification: Likely benign. Last evaluated: 2024-08-12. Review status: criteria provided, single submitter. Criteria: Invitae Variant Classification Sherloc (09022015). Collection method: clinical testing. Allele origin: germline.

NM_003059.3(SLC22A4):c.1262-10T>C

Genes: MIR3936HG (MIR3936 host gene; minus strand), SLC22A4 (solute carrier family 22 member 4; plus strand). Cytogenetic location: 5q31.1.
Variant type: single nucleotide variant.
Coding change: c.1262-10T>C on transcript NM_003059.3 (MANE Select); 10 bases into the intron before coding-DNA position 1262, T replaced by C.
Molecular consequence: intron variant.
Genome position (GRCh38, 1-based): chr5:132,335,808, T>C. VCF-style: chr5-132335808-T-C. GRCh37 (hg19) VCF-style: chr5-131671501-T-C.
Other names: c.1262-10T>C (NM_003059.2).
Identifiers: ClinVar variation 2143590 (VCV002143590.5), dbSNP rs200877376, ClinGen allele CA3403635.
Genomic context (GRCh38, chr5:132,335,808, plus strand): 5'-ATAAAAATAACTGATATAAGAAAGTATCACTTCTAAAAGCACCATTGTTTATACCGGGTC[T>C]CTTTTCCAGATTATTACTTCTTATCCATTGGTCTGGTCATGCTGGGAAAATTTGGGATCA-3'